The following is an entry in ClinVar:

NM_006766.5(KAT6A):c.1579T>C (p.Tyr527His)

Gene: KAT6A (lysine acetyltransferase 6A; minus strand). Cytogenetic location: 8p11.21.
Variant type: single nucleotide variant.
Coding change: c.1579T>C on transcript NM_006766.5 (MANE Select); coding-DNA position 1579, T replaced by C.
Protein change: p.Tyr527His; replaces tyrosine 527 with histidine.
Molecular consequence: missense variant.
Genome position (GRCh38, 1-based): chr8:41,955,315, A>G on the plus strand (T>C on the coding strand, the complement: KAT6A is on the minus strand). VCF-style: chr8-41955315-A-G. GRCh37 (hg19) VCF-style: chr8-41812833-A-G.
Other names: c.1579T>C, p.Tyr527His (NM_001305878.2); short protein forms Y527H.
Identifiers: ClinVar variation 3373211 (VCV003373211.1).

ClinVar aggregate classification (germline): Uncertain significance (1 of 4 stars; one submission).

Submission:

GeneDx
Classification: Uncertain significance. Last evaluated: 2024-05-01. Review status: criteria provided, single submitter. Criteria: GeneDx Variant Classification Process June 2021. Collection method: clinical testing. Allele origin: germline. Affected: yes.
Comment: Not observed at significant frequency in large population cohorts (gnomAD); In silico analysis supports that this missense variant has a deleterious effect on protein structure/function; Has not been previously published as pathogenic or benign to our knowledge